The following is an entry in ClinVar:

NM_002458.3(MUC5B):c.7404G>A (p.Pro2468=)

Genes: MUC5B (mucin 5B, oligomeric mucus/gel-forming; plus strand), MUC5B-AS1 (MUC5B antisense RNA 1; minus strand). Cytogenetic location: 11p15.5.
Variant type: single nucleotide variant.
Coding change: c.7404G>A on transcript NM_002458.3 (MANE Select); coding-DNA position 7404, G replaced by A.
Protein change: p.Pro2468=; no amino-acid change (proline 2468 retained).
Molecular consequence: synonymous variant.
Genome position (GRCh38, 1-based): chr11:1,244,284, G>A. VCF-style: chr11-1244284-G-A. GRCh37 (hg19) VCF-style: chr11-1265514-G-A.
Identifiers: ClinVar variation 3770824 (VCV003770824.13).

ClinVar aggregate classification (germline): Likely benign (1 of 4 stars; one submission).

Submission:

CeGaT Center for Human Genetics Tuebingen
Classification: Likely benign. Last evaluated: 2025-01-01. Review status: criteria provided, single submitter. Criteria: CeGaT Center For Human Genetics Tuebingen Variant Classification Criteria Version 2. Collection method: clinical testing. Allele origin: germline. Affected: yes. Observed: 1 variant allele.
Comment: MUC5B: BP4, BP7